The following is an entry in ClinVar:

ClinVar aggregate classification (germline): Uncertain significance. Review status: criteria provided, multiple submitters, no conflicts (2 of 4 stars). 2 submissions from 2 submitters: Uncertain significance (2). Last evaluated 2025-02-18.

Conditions:
Hereditary cancer-predisposing syndrome. Also called: Neoplastic Syndromes, Hereditary; Tumor predisposition; Hereditary Cancer Syndrome; Hereditary neoplastic syndrome. Identifiers: Orphanet 140162, MedGen C0027672, MeSH D009386, MONDO:0015356.
Lynch syndrome 5 (LYNCH5). Also called: Hereditary non-polyposis colorectal cancer, type 5; Colorectal cancer, hereditary nonpolyposis, type 5. Identifiers: Orphanet 144, MedGen C1833477, MONDO:0013710, OMIM 614350. Disease mechanism: loss of function.

Submissions (2):

Molecular Pathology, Peter Maccallum Cancer Centre
Classification: Uncertain significance for Lynch syndrome 5. Last evaluated: 2025-02-18. Review status: criteria provided, single submitter. Criteria: ACMG Guidelines, 2015. Collection method: clinical testing. Allele origin: germline. Inheritance: Autosomal dominant inheritance.

Ambry Genetics
Classification: Uncertain significance for Hereditary cancer-predisposing syndrome. Last evaluated: 2021-11-29. Review status: criteria provided, single submitter. Criteria: Ambry Variant Classification Scheme 2023. Collection method: clinical testing. Allele origin: germline.
Comment: The p.A1151P variant (also known as c.3451G>C), located in coding exon 6 of the MSH6 gene, results from a G to C substitution at nucleotide position 3451. The alanine at codon 1151 is replaced by proline, an amino acid with highly similar properties. This amino acid position is not well conserved in available vertebrate species. In addition, this alteration is predicted to be deleterious by in silico analysis. Since supporting evidence is limited at this time, the clinical significance of this alteration remains unclear.

NM_000179.3(MSH6):c.3451G>C (p.Ala1151Pro)

Gene: MSH6 (mutS homolog 6; plus strand). Cytogenetic location: 2p16.3.
Variant type: single nucleotide variant.
Coding change: c.3451G>C on transcript NM_000179.3 (MANE Select); coding-DNA position 3451, G replaced by C.
Protein change: p.Ala1151Pro; replaces alanine 1151 with proline.
Molecular consequence: missense variant.
Genome position (GRCh38, 1-based): chr2:47,804,922, G>C. VCF-style: chr2-47804922-G-C. GRCh37 (hg19) VCF-style: chr2-48032061-G-C.
Other names: c.3061G>C, p.Ala1021Pro (NM_001281492.2); c.2545G>C, p.Ala849Pro (NM_001281493.2, NM_001281494.2, NM_001406811.1 and 6 more transcripts); c.3547G>C, p.Ala1183Pro (NM_001406795.1, NM_001406802.1); c.3451G>C, p.Ala1151Pro (NM_001406796.1, NM_001406800.1, NM_001406808.1 and 1 more transcripts); c.3154G>C, p.Ala1052Pro (NM_001406797.1, NM_001406801.1, NM_001406805.1 and 10 more transcripts); c.3277G>C, p.Ala1093Pro (NM_001406798.1); c.2926G>C, p.Ala976Pro (NM_001406799.1, NM_001406806.1, NM_001406807.1); c.2587G>C, p.Ala863Pro (NM_001406803.1); and 7 more; short protein forms A100P, A1052P, A1151P, A1183P, A466P, A1021P, A1093P, A1095P.
Identifiers: ClinVar variation 1731573 (VCV001731573.3), dbSNP rs2104504351, ClinGen allele CA346759982.